The following is an entry in ClinVar:

ClinVar aggregate classification (germline): Uncertain significance (1 of 4 stars; one submission).

Conditions:
Holocarboxylase synthetase deficiency. Also called: MULTIPLE CARBOXYLASE DEFICIENCY, EARLY ONSET. Identifiers: Orphanet 79242, MedGen C0268581, MONDO:0009666, OMIM 253270.

Allele frequency attached by ClinVar (database versions not stated): TOPMed 0.00001.
gnomAD v4.1: 3 of 1,613,458 alleles (0.00019%); highest among the groups gnomAD compares: Non-Finnish European, 0.00025%; no homozygotes.

Submission:

Labcorp Genetics (formerly Invitae), Labcorp
Classification: Uncertain significance for Holocarboxylase synthetase deficiency. Last evaluated: 2024-10-16. Review status: criteria provided, single submitter. Criteria: Invitae Variant Classification Sherloc (09022015). Collection method: clinical testing. Allele origin: germline.
Comment: This sequence change replaces leucine, which is neutral and non-polar, with phenylalanine, which is neutral and non-polar, at codon 21 of the HLCS protein (p.Leu21Phe). This variant is not present in population databases (gnomAD no frequency). This variant has not been reported in the literature in individuals affected with HLCS-related conditions. ClinVar contains an entry for this variant (Variation ID: 2080246). Invitae Evidence Modeling of protein sequence and biophysical properties (such as structural, functional, and spatial information, amino acid conservation, physicochemical variation, residue mobility, and thermodynamic stability) indicates that this missense variant is not expected to disrupt HLCS protein function with a negative predictive value of 95%. In summary, the available evidence is currently insufficient to determine the role of this variant in disease. Therefore, it has been classified as a Variant of Uncertain Significance.

NM_001352514.2(HLCS):c.504G>T (p.Leu168Phe)

Gene: HLCS (holocarboxylase synthetase; minus strand). Cytogenetic location: 21q22.13.
Variant type: single nucleotide variant.
Coding change: c.504G>T on transcript NM_001352514.2 (MANE Select); coding-DNA position 504, G replaced by T.
Protein change: p.Leu168Phe; replaces leucine 168 with phenylalanine.
Molecular consequence: missense variant. On other transcripts: non-coding transcript variant (2).
Genome position (GRCh38, 1-based): chr21:36,937,382, C>A on the plus strand (G>T on the coding strand, the complement: HLCS is on the minus strand). VCF-style: chr21-36937382-C-A. GRCh37 (hg19) VCF-style: chr21-38309682-C-A.
Other names: c.63G>T, p.Leu21Phe (NM_000411.8, NM_001242784.3, NM_001242785.2 and 4 more transcripts); short protein forms L21F, L168F.
Identifiers: ClinVar variation 2080246 (VCV002080246.4), dbSNP rs2066944309, ClinGen allele CA409914196.